The following is an entry in ClinVar:

NM_147127.5(EVC2):c.1882G>T (p.Glu628Ter)

Gene: EVC2 (EvC ciliary complex subunit 2; minus strand). Cytogenetic location: 4p16.2.
Variant type: single nucleotide variant.
Coding change: c.1882G>T on transcript NM_147127.5 (MANE Select); coding-DNA position 1882, G replaced by T.
Protein change: p.Glu628Ter; replaces glutamic acid 628 with a stop codon.
Molecular consequence: nonsense.
Genome position (GRCh38, 1-based): chr4:5,628,563, C>A on the plus strand (G>T on the coding strand, the complement: EVC2 is on the minus strand). VCF-style: chr4-5628563-C-A. GRCh37 (hg19) VCF-style: chr4-5630290-C-A.
Other names: c.1642G>T, p.Glu548Ter (NM_001166136.2); short protein forms E628*, E548*.
Identifiers: ClinVar variation 931406 (VCV000931406.5), dbSNP rs186197620, ClinGen allele CA356147407.

ClinVar aggregate classification (germline): Pathogenic/Likely pathogenic. Review status: criteria provided, multiple submitters, no conflicts (2 of 4 stars). 2 submissions from 2 submitters: Pathogenic (1); Likely pathogenic (1). Last evaluated 2024-05-08.

Conditions:
Curry-Hall syndrome (WAD). Also called: WEYERS ACRODENTAL DYSOSTOSIS. Identifiers: Orphanet 952, MedGen C0457013, MONDO:0008673, OMIM 193530.
Ellis-van Creveld syndrome (EVC). Also called: MESOECTODERMAL DYSPLASIA; Chondroectodermal dysplasia. Identifiers: Orphanet 289, MedGen C0013903, MONDO:0009162, OMIM 225500.

gnomAD v4.1: 1 of 1,614,102 alleles (0.000062%); highest among the groups gnomAD compares: Non-Finnish European, 0.000085%; no homozygotes.

Submissions (2):

Myriad Genetics, Inc.
Classification: Pathogenic for Ellis-van Creveld syndrome. Last evaluated: 2024-05-08. Review status: criteria provided, single submitter. Criteria: Myriad Autosomal Dominant, Autosomal Recessive and X-Linked Classification Criteria (2023). Collection method: clinical testing. Allele origin: unknown.
Comment: NM_147127.4(EVC2):c.1882G>T(E628*) is expected to be pathogenic in the context of EVC2-related Ellis-van Creveld syndrome. This variant is predicted to lead to an abnormal or absent protein product due to the creation of a premature termination codon in EVC2, a gene where loss-of-function variants are known to be pathogenic. Please note: this variant was assessed in the context of healthy population screening.

Centre for Mendelian Genomics, University Medical Centre Ljubljana
Classification: Likely pathogenic for Curry-Hall syndrome. Last evaluated: 2018-12-13. Review status: criteria provided, single submitter. Criteria: ACMG Guidelines, 2015. Collection method: clinical testing. Allele origin: unknown. Affected: yes.
Comment: This variant was classified as: Likely pathogenic. The following ACMG criteria were applied in classifying this variant: PVS1,PM2.